The following is an entry in ClinVar:

NM_005573.4(LMNB1):c.350T>C (p.Leu117Pro)

Genes: LMNB1 (lamin B1; plus strand), LOC129994507 (ATAC-STARR-seq lymphoblastoid silent region 16287; plus strand). Cytogenetic location: 5q23.2.
Variant type: single nucleotide variant.
Coding change: c.350T>C on transcript NM_005573.4 (MANE Select); coding-DNA position 350, T replaced by C.
Protein change: p.Leu117Pro; replaces leucine 117 with proline.
Molecular consequence: missense variant. On other transcripts: non-coding transcript variant (2), intron variant (1).
Genome position (GRCh38, 1-based): chr5:126,777,858, T>C. VCF-style: chr5-126777858-T-C. GRCh37 (hg19) VCF-style: chr5-126113550-T-C.
Other names: c.-272+614T>C (NM_001198557.2); short protein forms L117P.
Identifiers: ClinVar variation 3383559 (VCV003383559.2).
Genomic context (GRCh38, chr5:126,777,858, plus strand): 5'-CCCGCGAGCGCGCCAAGCTGCAGATCGAGCTGGGCAAGTGCAAGGCGGAACACGACCAGC[T>C]GCTCCTCAAGTGAGTGCTAGCTGGCGGCCGCGTTAGCGCCAAGGAGGGGCGGGGGCGCAA-3'
Protein context (NP_005564.1, residues 107-127): LGKCKAEHDQ[Leu117Pro]LLNYAKKESD

ClinVar aggregate classification (germline): Uncertain significance. Review status: criteria provided, multiple submitters, no conflicts (2 of 4 stars). 2 submissions from 2 submitters: Uncertain significance (2). Last evaluated 2025-02-16.

Submissions (2):

Laboratory of Genetics, Children's Clinical University Hospital Latvia
Classification: Uncertain significance. Last evaluated: 2025-02-16. Review status: criteria provided, single submitter. Criteria: ACMG Guidelines, 2015. Collection method: clinical testing. Allele origin: germline. Affected: yes.

GeneDx
Classification: Uncertain significance. Last evaluated: 2024-05-30. Review status: criteria provided, single submitter. Criteria: GeneDx Variant Classification Process June 2021. Collection method: clinical testing. Allele origin: germline. Affected: yes.
Comment: Not observed at significant frequency in large population cohorts (gnomAD); In silico analysis supports that this missense variant has a deleterious effect on protein structure/function; Has not been previously published as pathogenic or benign to our knowledge